The following is an entry in ClinVar:

GRCh38/hg38 10q21.1(chr10:58623766-58811675)x1

Genes: BICC1 (BicC family RNA binding protein 1; plus strand), LOC126860938 (MED14-independent group 3 enhancer GRCh37_chr10:60566642-60567841; plus strand). Cytogenetic location: 10q21.1.
Variant type: copy number loss.
Change: copy number 1 (one copy instead of two) of chr10:58,623,766-58,811,675 (187.9 kb, GRCh38 coordinates, 1-based), cytogenetic band 10q21.1.
Identifiers: ClinVar variation 4974700 (VCV004974700.1).

ClinVar aggregate classification (germline): Uncertain significance (1 of 4 stars; one submission).

Submission:

Clinical Genomics Laboratory, Laboratory for Precision Diagnostics, University of Washington
Classification: Uncertain significance. Last evaluated: 2024-08-15. Review status: criteria provided, single submitter. Criteria: ACMG/ClinGen CNV Guidelines, 2019. Collection method: clinical testing. Allele origin: unknown. Affected: yes. Observed: 1 variant allele.
Comment: This interstitial deletion is approximately 188kb in size and overlaps the protein-coding gene BICC1. This deletion is predicted to cause a loss of function of BICC1 protein. BICC1, an RNA-binding protein, is known to have an important role in embryonic development of the kidney. Loss of BICC1 gene function is associated with autosomal dominant susceptibility to cystic renal dysplasia (OMIM: 601331). Variants in BICC1 have been previously described in a limited number of patients with cystic renal dysplasia or congenital kidney and urinary tract abnormalities (CAKUT) (PMID: 35005812, PMID: 35368817, PMID: 21922595). No similar deletion appear in the Database of Genomic Variants (DGV) and gnomAD in general population. However, there is a paucity of reported deletions or deleterious variants in BICC1. A review of public databases (ClinVar, DECIPHER) and the medical literature reveals no comparable cases with this specific deletion. Due to the limited information currently available regarding BICC1's role in human disease, this variant is best classified as a variant of uncertain significance at this time.

Literature cited by the submitters: PubMed 35005812; PubMed 35368817; PubMed 21922595.